The following is an entry in ClinVar:

NM_002519.3(NPAT):c.1580C>T (p.Ser527Phe)

Gene: NPAT (nuclear protein, coactivator of histone transcription; minus strand). Cytogenetic location: 11q22.3.
Variant type: single nucleotide variant.
Coding change: c.1580C>T on transcript NM_002519.3 (MANE Select); coding-DNA position 1580, C replaced by T.
Protein change: p.Ser527Phe; replaces serine 527 with phenylalanine.
Molecular consequence: missense variant.
Genome position (GRCh38, 1-based): chr11:108,173,404, G>A on the plus strand (C>T on the coding strand, the complement: NPAT is on the minus strand). VCF-style: chr11-108173404-G-A. GRCh37 (hg19) VCF-style: chr11-108044131-G-A.
Other names: c.1580C>T, p.Ser527Phe (NM_001321307.1); short protein forms S527F.
Identifiers: ClinVar variation 1775689 (VCV001775689.2), dbSNP rs1030041700, ClinGen allele CA228384642.

ClinVar aggregate classification (germline): Uncertain significance (1 of 4 stars; one submission).

Allele frequency attached by ClinVar (database versions not stated): gnomAD 0.00001; TOPMed 0.00003.
gnomAD v4.1: 4 of 1,613,934 alleles (0.00025%); highest among the groups gnomAD compares: African/African-American, 0.004%; no homozygotes.

Submission:

Ambry Genetics
Classification: Uncertain significance. Last evaluated: 2022-08-14. Review status: criteria provided, single submitter. Criteria: Ambry Variant Classification Scheme 2023. Collection method: clinical testing. Allele origin: germline.
Comment: The p.S527F variant (also known as c.1580C>T), located in coding exon 13 of the NPAT gene, results from a C to T substitution at nucleotide position 1580. The serine at codon 527 is replaced by phenylalanine, an amino acid with highly dissimilar properties. This amino acid position is conserved. In addition, this alteration is predicted to be tolerated by in silico analysis. Since supporting evidence is limited at this time, the clinical significance of this alteration remains unclear.